The following is an entry in ClinVar:

NM_000059.4(BRCA2):c.886T>A (p.Tyr296Asn)

Gene: BRCA2 (BRCA2 DNA repair associated; plus strand). Cytogenetic location: 13q13.1.
Variant type: single nucleotide variant.
Coding change: c.886T>A on transcript NM_000059.4 (MANE Select); coding-DNA position 886, T replaced by A.
Protein change: p.Tyr296Asn; replaces tyrosine 296 with asparagine.
Molecular consequence: missense variant.
Genome position (GRCh38, 1-based): chr13:32,332,364, T>A. VCF-style: chr13-32332364-T-A. GRCh37 (hg19) VCF-style: chr13-32906501-T-A.
Other names: short protein forms Y296N.
Identifiers: ClinVar variation 657447 (VCV000657447.10), dbSNP rs1347459118, ClinGen allele CA387760650.

ClinVar aggregate classification (germline): Conflicting classifications of pathogenicity. Review status: criteria provided, conflicting classifications (1 of 4 stars). 2 submissions from 2 submitters: Uncertain significance (1); Likely benign (1). Last evaluated 2023-03-23.

Conditions:
Hereditary cancer-predisposing syndrome. Also called: Hereditary neoplastic syndrome; Neoplastic Syndromes, Hereditary; Hereditary Cancer Syndrome; Tumor predisposition. Identifiers: Orphanet 140162, MedGen C0027672, MeSH D009386, MONDO:0015356.
Hereditary breast ovarian cancer syndrome. Also called: BRCA1- and BRCA2-Associated Hereditary Breast and Ovarian Cancer; Hereditary breast and ovarian cancer syndrome; Hereditary breast and ovarian cancer syndrome (HBOC); Hereditary breast and/or ovarian cancer syndrome; Breast and ovarian cancer; Hereditary breast and ovarian cancer. Identifiers: Orphanet 145, MedGen C0677776, MeSH D061325, MONDO:0003582. Disease mechanism: loss of function.

Submissions (2):

University of Washington Department of Laboratory Medicine, University of Washington
Classification: Likely benign for Hereditary cancer-predisposing syndrome. Last evaluated: 2023-03-23. Review status: criteria provided, single submitter. Criteria: Dines et al. (Genet Med. 2020). Collection method: curation. Allele origin: germline.
Comment: Missense variant in a coldspot region where missense variants are very unlikely to be pathogenic (PMID:31911673).

BRCA2 exon 10 coldspot. Reclassification based on statistical prior probability.

Labcorp Genetics (formerly Invitae), Labcorp
Classification: Uncertain significance for Hereditary breast ovarian cancer syndrome. Last evaluated: 2018-12-08. Review status: criteria provided, single submitter. Criteria: Invitae Variant Classification Sherloc (09022015). Collection method: clinical testing. Allele origin: germline.
Comment: This sequence change replaces tyrosine with asparagine at codon 296 of the BRCA2 protein (p.Tyr296Asn). The tyrosine residue is weakly conserved and there is a large physicochemical difference between tyrosine and asparagine. In summary, the available evidence is currently insufficient to determine the role of this variant in disease. Therefore, it has been classified as a Variant of Uncertain Significance. Algorithms developed to predict the effect of sequence changes on RNA splicing suggest that this variant may create or strengthen a splice site, but this prediction has not been confirmed by published transcriptional studies. Algorithms developed to predict the effect of missense changes on protein structure and function (SIFT, PolyPhen-2, Align-GVGD) all suggest that this variant is likely to be tolerated, but these predictions have not been confirmed by published functional studies and their clinical significance is uncertain. This variant has not been reported in the literature in individuals with BRCA2-related conditions. This variant is not present in population databases (ExAC no frequency).